The following is an entry in ClinVar:

NM_199420.4(POLQ):c.3718A>G (p.Ile1240Val)

Gene: POLQ (DNA polymerase theta; minus strand). Cytogenetic location: 3q13.33.
Variant type: single nucleotide variant.
Coding change: c.3718A>G on transcript NM_199420.4 (MANE Select); coding-DNA position 3718, A replaced by G.
Protein change: p.Ile1240Val; replaces isoleucine 1240 with valine.
Molecular consequence: missense variant.
Genome position (GRCh38, 1-based): chr3:121,489,213, T>C on the plus strand (A>G on the coding strand, the complement: POLQ is on the minus strand). VCF-style: chr3-121489213-T-C. GRCh37 (hg19) VCF-style: chr3-121208060-T-C.
Other names: short protein forms I1240V.
Identifiers: ClinVar variation 3229957 (VCV003229957.1), dbSNP rs2546787039, ClinGen allele CA354097775.
Genomic context (GRCh38, chr3:121,489,213, plus strand): 5'-TTATATCATCTCCTAATGCCTGAAAATGACTTGGTTTATTTTCCTCTGTATTAAGCTTTA[T>C]CCTTTCACAATTGATAGTAACATTTGAGTCTCTATTTATGTAACTACTGACTGCTTCACA-3'
Protein context (NP_955452.3, residues 1230-1250): DSNVTINCER[Ile1240Val]KLNTEENKPS

ClinVar aggregate classification (germline): Uncertain significance (1 of 4 stars; one submission).

Submission:

Ambry Genetics
Classification: Uncertain significance. Last evaluated: 2024-02-29. Review status: criteria provided, single submitter. Criteria: Ambry Variant Classification Scheme 2023. Collection method: clinical testing. Allele origin: germline.
Comment: The p.I1240V variant (also known as c.3718A>G), located in coding exon 16 of the POLQ gene, results from an A to G substitution at nucleotide position 3718. The isoleucine at codon 1240 is replaced by valine, an amino acid with highly similar properties. This amino acid position is conserved. In addition, this alteration is predicted to be tolerated by in silico analysis. Based on the available evidence, the clinical significance of this alteration remains unclear.